The following is an entry in ClinVar:

ClinVar aggregate classification (germline): Likely benign. Review status: criteria provided, multiple submitters, no conflicts (2 of 4 stars). 3 submissions from 3 submitters: Likely benign (3). Last evaluated 2025-12-19.

Conditions:
RYR1-related disorder. Also called: RYR1-related condition; RYR1-related disorders. Identifiers: MedGen CN239331.
Malignant hyperthermia, susceptibility to, 1 (MHS1). Also called: RYR1-Related Malignant Hyperthermia Susceptibility; Anesthesia related hyperthermia; Malignant hyperpyrexia; Fulminating hyperpyrexia; Pharmacogenic myopathy; Malignant hyperthermia suceptibility 1. Identifiers: Orphanet 423, MedGen C2930980, MONDO:0007783, OMIM 145600.

Allele frequency attached by ClinVar (database versions not stated): ExAC 0.00002; gnomAD exomes 0.00003; gnomAD 0.00004; TOPMed 0.00004.
gnomAD v4.1: 91 of 1,614,050 alleles (0.0056%); highest among the groups gnomAD compares: Middle Eastern, 0.016%; no homozygotes.

Submissions (3):

Labcorp Genetics (formerly Invitae), Labcorp
Classification: Likely benign for RYR1-related disorder. Last evaluated: 2025-12-19. Review status: criteria provided, single submitter. Criteria: Invitae Variant Classification Sherloc (09022015). Collection method: clinical testing. Allele origin: germline.

All of Us Research Program, National Institutes of Health
Classification: Likely benign for Malignant hyperthermia, susceptibility to, 1. Last evaluated: 2023-12-07. Review status: criteria provided, single submitter. Criteria: ACMG Guidelines, 2015. Collection method: clinical testing. Allele origin: germline. Inheritance: Autosomal dominant inheritance. Observed: 10 variant alleles, 10 heterozygotes.
Comment: This study involves interpretation of variants in research participants for the purpose of population health screening. Participant phenotype was not available at the time of variant classification. Additional details can be found in publication PMID: 35346344, PMCID: PMC8962531

Color Diagnostics, LLC DBA Color Health
Classification: Likely benign for Malignant hyperthermia, susceptibility to, 1. Last evaluated: 2022-10-03. Review status: criteria provided, single submitter. Criteria: ACMG Guidelines, 2015. Collection method: clinical testing. Allele origin: germline.

NM_000540.3(RYR1):c.12099C>T (p.Asn4033=)

Gene: RYR1 (ryanodine receptor 1; plus strand). Cytogenetic location: 19q13.2.
Variant type: single nucleotide variant.
Coding change: c.12099C>T on transcript NM_000540.3 (MANE Select); coding-DNA position 12099, C replaced by T.
Protein change: p.Asn4033=; no amino-acid change (asparagine 4033 retained).
Molecular consequence: synonymous variant.
Genome position (GRCh38, 1-based): chr19:38,548,237, C>T. VCF-style: chr19-38548237-C-T. GRCh37 (hg19) VCF-style: chr19-39038877-C-T.
Other names: c.12084C>T, p.Asn4028= (NM_001042723.2).
Identifiers: ClinVar variation 544490 (VCV000544490.13), dbSNP rs201642412, ClinGen allele CA058265.